The following is an entry in ClinVar:

NM_000350.3(ABCA4):c.1066A>T (p.Lys356Ter)

Gene: ABCA4 (ATP binding cassette subfamily A member 4; minus strand). Cytogenetic location: 1p22.1.
Variant type: single nucleotide variant.
Coding change: c.1066A>T on transcript NM_000350.3 (MANE Select); coding-DNA position 1066, A replaced by T.
Protein change: p.Lys356Ter; replaces lysine 356 with a stop codon.
Molecular consequence: nonsense.
Genome position (GRCh38, 1-based): chr1:94,080,511, T>A on the plus strand (A>T on the coding strand, the complement: ABCA4 is on the minus strand). VCF-style: chr1-94080511-T-A. GRCh37 (hg19) VCF-style: chr1-94546067-T-A.
Other names: c.1066A>T, p.Lys356Ter (NM_001425324.1); short protein forms K356*.
Identifiers: ClinVar variation 99029 (VCV000099029.11), dbSNP rs61751391, ClinGen allele CA226866.

ClinVar aggregate classification (germline): Pathogenic. Review status: criteria provided, multiple submitters, no conflicts (2 of 4 stars). 3 submissions from 3 submitters: Pathogenic (2). 1 of the submissions does not count toward it. Last evaluated 2025-04-03.

Conditions:
ABCA4-related disorder. Also called: ABCA4-related disorders; ABCA4-related condition. Identifiers: MedGen CN239167.

Submissions (3):

Labcorp Genetics (formerly Invitae), Labcorp
Classification: Pathogenic. Last evaluated: 2025-04-03. Review status: criteria provided, single submitter. Criteria: Invitae Variant Classification Sherloc (09022015). Collection method: clinical testing. Allele origin: germline.
Comment: This sequence change creates a premature translational stop signal (p.Lys356*) in the ABCA4 gene. It is expected to result in an absent or disrupted protein product. Loss-of-function variants in ABCA4 are known to be pathogenic (PMID: 10958761, 24938718, 25312043, 26780318). This variant is not present in population databases (gnomAD no frequency). This premature translational stop signal has been observed in individual(s) with ABCA4-related conditions (PMID: 11527935). ClinVar contains an entry for this variant (Variation ID: 99029). Algorithms developed to predict the effect of sequence changes on RNA splicing suggest that this variant may disrupt the consensus splice site. For these reasons, this variant has been classified as Pathogenic.

Blueprint Genetics
Classification: Pathogenic for ABCA4-related disorders. Last evaluated: 2022-11-21. Review status: criteria provided, single submitter. Criteria: ACMG Guidelines, 2015. Collection method: clinical testing. Allele origin: germline. Affected: yes. Observed: 2 variant alleles.

Retina International
No classification provided. Review status: no classification provided. Collection method: not provided. Allele origin: not provided. Not counted in ClinVar's aggregate classification.

Literature cited by the submitters: PubMed 10958761 (cited by Labcorp Genetics (formerly Invitae), Labcorp); PubMed 24938718 (cited by Labcorp Genetics (formerly Invitae), Labcorp); PubMed 25312043 (cited by Labcorp Genetics (formerly Invitae), Labcorp); PubMed 26780318 (cited by Labcorp Genetics (formerly Invitae), Labcorp); PubMed 11527935 (cited by Labcorp Genetics (formerly Invitae), Labcorp).